The following is an entry in ClinVar:

ClinVar aggregate classification (germline): Uncertain significance (1 of 4 stars; one submission).

gnomAD v4.1: 3 of 1,531,382 alleles (0.0002%); highest among the groups gnomAD compares: Non-Finnish European, 0.00026%; no homozygotes.

Submission:

GeneDx
Classification: Uncertain significance. Last evaluated: 2024-03-10. Review status: criteria provided, single submitter. Criteria: GeneDx Variant Classification Process June 2021. Collection method: clinical testing. Allele origin: germline. Affected: yes.
Comment: Not observed at significant frequency in large population cohorts (gnomAD); In silico analysis supports that this missense variant has a deleterious effect on protein structure/function; Has not been previously published as pathogenic or benign to our knowledge

NM_001385012.1(NBEA):c.6152A>G (p.His2051Arg)

Gene: NBEA (neurobeachin; plus strand). Cytogenetic location: 13q13.3.
Variant type: single nucleotide variant.
Coding change: c.6152A>G on transcript NM_001385012.1 (MANE Select); coding-DNA position 6152, A replaced by G.
Protein change: p.His2051Arg; replaces histidine 2051 with arginine.
Molecular consequence: missense variant.
Genome position (GRCh38, 1-based): chr13:35,352,296, A>G. VCF-style: chr13-35352296-A-G. GRCh37 (hg19) VCF-style: chr13-35926433-A-G.
Other names: c.6143A>G, p.His2048Arg (NM_001379245.1); c.6152A>G, p.His2051Arg (NM_015678.5); short protein forms H2048R, H2051R.
Identifiers: ClinVar variation 3370555 (VCV003370555.1).